The following is an entry in ClinVar:

NM_000875.5(IGF1R):c.4024G>A (p.Glu1342Lys)

Gene: IGF1R (insulin like growth factor 1 receptor; plus strand). Cytogenetic location: 15q26.3.
Variant type: single nucleotide variant.
Coding change: c.4024G>A on transcript NM_000875.5 (MANE Select); coding-DNA position 4024, G replaced by A.
Protein change: p.Glu1342Lys; replaces glutamic acid 1342 with lysine.
Molecular consequence: missense variant.
Genome position (GRCh38, 1-based): chr15:98,957,362, G>A. VCF-style: chr15-98957362-G-A. GRCh37 (hg19) VCF-style: chr15-99500591-G-A.
Other names: c.4021G>A, p.Glu1341Lys (NM_001291858.2); c.4024G>A (NM_000875.4); short protein forms E1341K, E1342K.
Identifiers: ClinVar variation 2432817 (VCV002432817.6), dbSNP rs1442885994, ClinGen allele CA393669709.

ClinVar aggregate classification (germline): Uncertain significance. Review status: criteria provided, multiple submitters, no conflicts (2 of 4 stars). 3 submissions from 3 submitters: Uncertain significance (3). Last evaluated 2025-12-09.

Conditions:
Growth delay due to insulin-like growth factor I resistance. Also called: Insulin-Like Growth Factor I Resistance; IGF-I RESISTANCE; Somatomedin end-organ insensitivity to; Somatomedin-c resistance to; IGF-1 resistance. Identifiers: Orphanet 73273, MedGen C1849157, MONDO:0010038, OMIM 270450.

Allele frequency attached by ClinVar (database versions not stated): TOPMed below 0.00001; gnomAD 0.00002.
gnomAD v4.1: 21 of 1,612,310 alleles (0.0013%); highest among the groups gnomAD compares: African/African-American, 0.004%; no homozygotes.

Submissions (3):

Labcorp Genetics (formerly Invitae), Labcorp
Classification: Uncertain significance. Last evaluated: 2025-12-09. Review status: criteria provided, single submitter. Criteria: Invitae Variant Classification Sherloc (09022015). Collection method: clinical testing. Allele origin: germline.
Comment: This sequence change replaces glutamic acid, which is acidic and polar, with lysine, which is basic and polar, at codon 1342 of the IGF1R protein (p.Glu1342Lys). This variant is present in population databases (no rsID available, gnomAD 0.004%). This variant has not been reported in the literature in individuals affected with IGF1R-related conditions. ClinVar contains an entry for this variant (Variation ID: 2432817). An algorithm developed to predict the effect of missense changes on protein structure and function (PolyPhen-2) suggests that this variant is likely to be disruptive. In summary, the available evidence is currently insufficient to determine the role of this variant in disease. Therefore, it has been classified as a Variant of Uncertain Significance.

Victorian Clinical Genetics Services, Murdoch Childrens Research Institute
Classification: Uncertain significance for Growth delay due to insulin-like growth factor I resistance. Last evaluated: 2024-10-08. Review status: criteria provided, single submitter. Criteria: ACMG Guidelines, 2015. Collection method: clinical testing. Allele origin: germline. Affected: yes.
Comment: Based on the classification scheme VCGS_Germline_v1.3.4, this variant is classified as VUS-3B. Following criteria are met: 0102 - Loss of function is a known mechanism of disease in this gene and is associated with resistance to insulin-like growth factor 1 (MIM#270450). (I) 0108 - This gene is associated with both recessive and dominant disease. Autosomal recessive disease correlates to a more severe form of the disease (OMIM). (I) 0200 - Variant is predicted to result in a missense amino acid change from glutamic acid to lysine . (I) 0251 - This variant is heterozygous. (I) 0304 - Variant is present in gnomAD <0.01 for a recessive condition (2 heterozygotes, 0 homozygotes). (SP) 0502 - Missense variant with conflicting in silico predictions and uninformative conservation. (I) 0604 - Variant is not located in an established domain, motif, hotspot or informative constraint region. (I) 0705 - No comparable missense variants have previous evidence for pathogenicity. (I) 0809 - Previous evidence of pathogenicity for this variant is inconclusive. This variant has been reported once as a variant of unknown significance (ClinVar). (I) 0905 - No published segregation evidence has been identified for this variant. (I) 1007 - No published functional evidence has been identified for this variant. (SP) Legend: (SP) - Supporting pathogenic, (I) - Information, (SB) - Supporting benign

Revvity Omics, Revvity
Classification: Uncertain significance for Growth delay due to insulin-like growth factor I resistance. Last evaluated: 2019-10-24. Review status: criteria provided, single submitter. Criteria: ACMG Guidelines, 2015. Collection method: clinical testing. Allele origin: germline.